The following is an entry in ClinVar:

NM_000275.3(OCA2):c.1774dup (p.Thr592fs)

Gene: OCA2 (OCA2 melanosomal transmembrane protein; minus strand). Cytogenetic location: 15q13.1.
Variant type: Duplication.
Coding change: c.1774dup on transcript NM_000275.3 (MANE Select); coding-DNA position 1774, one base duplicated (A; older notation c.1774dupA).
Protein change: p.Thr592fs; shifts the reading frame from threonine 592.
Molecular consequence: frameshift variant.
Genome position (GRCh38, 1-based): chr15:27,957,598, T duplicated on the plus strand (A on the coding strand, the reverse complement: OCA2 is on the minus strand). VCF-style (leftmost placement, unchanged base first): chr15-27957597-G-GT. GRCh37 (hg19) VCF-style: chr15-28202743-G-GT.
Other names: c.1702dup, p.Thr568fs (NM_001300984.2); short protein forms T568fs, T592fs.
Identifiers: ClinVar variation 5014830 (VCV005014830.1).

ClinVar aggregate classification (germline): Pathogenic (1 of 4 stars; one submission).

Conditions:
Tyrosinase-positive oculocutaneous albinism (OCA2). Also called: ALBINISM II; Oculocutaneous albinism type 2; Albinism, oculocutaneous, type II. Identifiers: Orphanet 79432, MedGen C0268495, MONDO:0008746, OMIM 203200.

Submission:

Myriad Genetics, Inc.
Classification: Pathogenic for Tyrosinase-positive oculocutaneous albinism. Last evaluated: 2025-08-06. Review status: criteria provided, single submitter. Criteria: Myriad Autosomal Dominant, Autosomal Recessive and X-Linked Classification Criteria (2023). Collection method: clinical testing. Allele origin: unknown.
Comment: NM_000275.2(OCA2):c.1774dupA(T592Nfs*25) is expected to be pathogenic in the context of oculocutaneous albinism, OCA2-related. This variant is predicted to lead to an abnormal or absent protein product due to the creation of a premature termination codon in OCA2, a gene where loss-of-function variants are known to be pathogenic. Please note: this variant was assessed in the context of healthy population screening.